The following is an entry in ClinVar:

NM_033004.4(NLRP1):c.2500C>T (p.Arg834Cys)

Gene: NLRP1 (NLR family pyrin domain containing 1; minus strand). Cytogenetic location: 17p13.2.
Variant type: single nucleotide variant.
Coding change: c.2500C>T on transcript NM_033004.4 (MANE Select); coding-DNA position 2500, C replaced by T.
Protein change: p.Arg834Cys; replaces arginine 834 with cysteine.
Molecular consequence: missense variant.
Genome position (GRCh38, 1-based): chr17:5,553,414, G>A on the plus strand (C>T on the coding strand, the complement: NLRP1 is on the minus strand). VCF-style: chr17-5553414-G-A. GRCh37 (hg19) VCF-style: chr17-5456734-G-A.
Other names: c.2500C>T, p.Arg834Cys (NM_001033053.3, NM_014922.5, NM_033006.4 and 1 more transcripts); c.2500C>T (NM_033004.3); short protein forms R834C.
Identifiers: ClinVar variation 1490132 (VCV001490132.7), dbSNP rs200045571, ClinGen allele CA8327154.
Genomic context (GRCh38, chr17:5,553,414, plus strand): 5'-CTGCTTCAGAACAGAACCCAGGCCAGACTCACCGCAGGGTCTCCAGGAGGCAGCGAGGGC[G>A]TCTCAGGGTCTTACAAAGACTCTTCACTGCAGAGTGGCTCAGCGAGTTTCCACTTAGGTC-3'
Protein context (NP_127497.1, residues 824-844): AVKSLCKTLR[Arg834Cys]PRCLLETLRL

ClinVar aggregate classification (germline): Uncertain significance. Review status: criteria provided, multiple submitters, no conflicts (2 of 4 stars). 2 submissions from 2 submitters: Uncertain significance (2). Last evaluated 2026-02-15.

Allele frequency attached by ClinVar (database versions not stated): gnomAD exomes 0.00009 and 0.00011; ExAC 0.00011; ESP Exome Variant Server 0.00008.

Submissions (2):

GeneDx
Classification: Uncertain significance. Last evaluated: 2026-02-15. Review status: criteria provided, single submitter. Criteria: GeneDx Variant Classification Process June 2021. Collection method: clinical testing. Allele origin: germline.
Comment: Identified with a second in an individual with epileptic encephalopathy, however this individual harbored a de novo variant in another gene that is suspected to have contributed to the phenotype (PMID: 25164438); In silico analysis suggests that this missense variant does not alter protein structure/function; This variant is associated with the following publications: (PMID: 25164438)

Labcorp Genetics (formerly Invitae), Labcorp
Classification: Uncertain significance. Last evaluated: 2026-01-13. Review status: criteria provided, single submitter. Criteria: Invitae Variant Classification Sherloc (09022015). Collection method: clinical testing. Allele origin: germline.
Comment: This sequence change replaces arginine, which is basic and polar, with cysteine, which is neutral and slightly polar, at codon 834 of the NLRP1 protein (p.Arg834Cys). This variant is present in population databases (rs200045571, gnomAD 0.1%). This variant has not been reported in the literature in individuals affected with NLRP1-related conditions. ClinVar contains an entry for this variant (Variation ID: 1490132). An algorithm developed to predict the effect of missense changes on protein structure and function outputs the following: PolyPhen-2: "Benign". The cysteine amino acid residue is found in multiple mammalian species, which suggests that this missense change does not adversely affect protein function. In summary, the available evidence is currently insufficient to determine the role of this variant in disease. Therefore, it has been classified as a Variant of Uncertain Significance.